The following is an entry in ClinVar:

NM_032608.7(MYO18B):c.3131A>T (p.His1044Leu)

Gene: MYO18B (myosin XVIIIB; plus strand). Cytogenetic location: 22q12.1.
Variant type: single nucleotide variant.
Coding change: c.3131A>T on transcript NM_032608.7 (MANE Select); coding-DNA position 3131, A replaced by T.
Protein change: p.His1044Leu; replaces histidine 1044 with leucine.
Molecular consequence: missense variant.
Genome position (GRCh38, 1-based): chr22:25,835,366, A>T. VCF-style: chr22-25835366-A-T. GRCh37 (hg19) VCF-style: chr22-26231333-A-T.
Other names: c.3134A>T, p.His1045Leu (NM_001318245.2); short protein forms H1044L, H1045L.
Identifiers: ClinVar variation 2054410 (VCV002054410.1), dbSNP rs377045010, ClinGen allele CA10160459.

ClinVar aggregate classification (germline): Uncertain significance (1 of 4 stars; one submission).

Allele frequency attached by ClinVar (database versions not stated): ESP Exome Variant Server 0.00008.
gnomAD v4.1: 10 of 1,613,988 alleles (0.00062%); highest among the groups gnomAD compares: Admixed American, 0.0067%; no homozygotes.

Submission:

Labcorp Genetics (formerly Invitae), Labcorp
Classification: Uncertain significance. Last evaluated: 2022-08-10. Review status: criteria provided, single submitter. Criteria: Invitae Variant Classification Sherloc (09022015). Collection method: clinical testing. Allele origin: germline.
Comment: This sequence change replaces histidine, which is basic and polar, with leucine, which is neutral and non-polar, at codon 1044 of the MYO18B protein (p.His1044Leu). This variant is present in population databases (rs377045010, gnomAD 0.009%). This variant has not been reported in the literature in individuals affected with MYO18B-related conditions. Algorithms developed to predict the effect of missense changes on protein structure and function are either unavailable or do not agree on the potential impact of this missense change (SIFT: "Not Available"; PolyPhen-2: "Benign"; Align-GVGD: "Not Available"). In summary, the available evidence is currently insufficient to determine the role of this variant in disease. Therefore, it has been classified as a Variant of Uncertain Significance.